The following is an entry in ClinVar:

NM_017777.4(MKS1):c.993C>T (p.Tyr331=)

Gene: MKS1 (MKS transition zone complex subunit 1; minus strand). Cytogenetic location: 17q22.
Variant type: single nucleotide variant.
Coding change: c.993C>T on transcript NM_017777.4 (MANE Select); coding-DNA position 993, C replaced by T.
Protein change: p.Tyr331=; no amino-acid change (tyrosine 331 retained).
Molecular consequence: synonymous variant.
Genome position (GRCh38, 1-based): chr17:58,210,690, G>A on the plus strand (C>T on the coding strand, the complement: MKS1 is on the minus strand). VCF-style: chr17-58210690-G-A. GRCh37 (hg19) VCF-style: chr17-56288051-G-A.
Other names: c.384C>T, p.Tyr128= (NM_001321268.2); c.993C>T, p.Tyr331= (NM_001321269.2, NM_001330397.2).
Identifiers: ClinVar variation 380847 (VCV000380847.11), dbSNP rs552668070, ClinGen allele CA8669315.

ClinVar aggregate classification (germline): Likely benign. Review status: criteria provided, multiple submitters, no conflicts (2 of 4 stars). 3 submissions from 3 submitters: Likely benign (3). Last evaluated 2024-02-19.

Conditions:
Meckel-Gruber syndrome. Also called: DYSENCEPHALIA SPLANCHNOCYSTICA; GRUBER SYNDROME; Dysencephalia splachnocystica. Identifiers: Orphanet 564, MedGen C0265215, MONDO:0018921.
Joubert syndrome. Also called: Familial aplasia of the vermis; JOUBERT-BOLTSHAUSER SYNDROME. Identifiers: Orphanet 475, MedGen C5979921, MONDO:0018772.

Allele frequency attached by ClinVar (database versions not stated): ExAC 0.00002; gnomAD exomes 0.00002; TOPMed 0.00003; 1000 Genomes Project 30x 0.00016; 1000 Genomes Project 0.00020.
gnomAD v4.1: 22 of 1,614,138 alleles (0.0014%); highest among the groups gnomAD compares: South Asian, 0.02%; no homozygotes.

Submissions (3):

Labcorp Genetics (formerly Invitae), Labcorp
Classification: Likely benign for Joubert syndrome; Meckel-Gruber syndrome. Last evaluated: 2024-02-19. Review status: criteria provided, single submitter. Criteria: Invitae Variant Classification Sherloc (09022015). Collection method: clinical testing. Allele origin: germline.

Blueprint Genetics
Classification: Likely benign. Last evaluated: 2022-01-11. Review status: criteria provided, single submitter. Criteria: ACMG Guidelines, 2015. Collection method: clinical testing. Allele origin: germline.

GeneDx
Classification: Likely benign. Last evaluated: 2016-09-06. Review status: criteria provided, single submitter. Criteria: GeneDx Variant Classification (06012015). Collection method: clinical testing. Allele origin: germline. Affected: yes.
Comment: This variant is considered likely benign or benign based on one or more of the following criteria: it is a conservative change, it occurs at a poorly conserved position in the protein, it is predicted to be benign by multiple in silico algorithms, and/or has population frequency not consistent with disease.